The following is an entry in ClinVar:

ClinVar aggregate classification (germline): Pathogenic (1 of 4 stars; one submission).

Conditions:
Arrhythmogenic right ventricular dysplasia 11. Also called: Arrhythmogenic Right Ventricular Dysplasia/Cardiomyopathy11; ARRHYTHMOGENIC RIGHT VENTRICULAR DYSPLASIA, FAMILIAL, 11; Arrhythmogenic right ventricular dysplasia 11 with mild palmoplantar keratoderma and woolly hair. Identifiers: MedGen C1864850, MONDO:0012506, OMIM 610476.

Submission:

Labcorp Genetics (formerly Invitae), Labcorp
Classification: Pathogenic for Arrhythmogenic right ventricular dysplasia 11. Last evaluated: 2025-10-31. Review status: criteria provided, single submitter. Criteria: Invitae Variant Classification Sherloc (09022015). Collection method: clinical testing. Allele origin: germline.
Comment: This sequence change creates a premature translational stop signal (p.Phe243Leufs*38) in the DSC2 gene. It is expected to result in an absent or disrupted protein product. Loss-of-function variants in DSC2 are known to be pathogenic (PMID: 23911551). This variant is not present in population databases (gnomAD no frequency). This variant has not been reported in the literature in individuals affected with DSC2-related conditions. ClinVar contains an entry for this variant (Variation ID: 1068704). For these reasons, this variant has been classified as Pathogenic.

Literature cited by the submitters: PubMed 23911551.

NM_024422.6(DSC2):c.729del (p.Phe243fs)

Gene: DSC2 (desmocollin 2; minus strand). Cytogenetic location: 18q12.1.
Variant type: Deletion.
Coding change: c.729del on transcript NM_024422.6 (MANE Select); coding-DNA position 729, one base deleted (T; older notation c.729delT).
Protein change: p.Phe243fs; shifts the reading frame from phenylalanine 243.
Molecular consequence: frameshift variant.
Genome position (GRCh38, 1-based): chr18:31,087,715, A deleted on the plus strand (T on the coding strand, the reverse complement: DSC2 is on the minus strand); the first of 5 consecutive A bases (chr18:31,087,715-31,087,719); deleting any one gives the same sequence. VCF-style (leftmost placement, unchanged base first): chr18-31087714-TA-T. GRCh37 (hg19) VCF-style: chr18-28667677-TA-T.
Other names: c.729del, p.Phe243fs (NM_004949.5); short protein forms F243fs.
Identifiers: ClinVar variation 1068704 (VCV001068704.7), dbSNP rs2144833653, ClinGen allele CA2499225111.
Genomic context (GRCh38, chr18:31,087,714, plus strand): 5'-TAAGGAGGTACTCACCCACTCTGCAATTTTCAAAAATTGTAAAAGTATAAGTTTCTTCTG[TA>T]AAAATTGGGTAGTTATCATTTTCATCCTCTATTTTGATTATTAGGGGCAGTGGAAGTTCT-3'